The following is an entry in ClinVar:

NM_000520.6(HEXA):c.1264C>G (p.Leu422Val)

Gene: HEXA (hexosaminidase subunit alpha; minus strand). Cytogenetic location: 15q23.
Variant type: single nucleotide variant.
Coding change: c.1264C>G on transcript NM_000520.6 (MANE Select); coding-DNA position 1264, C replaced by G.
Protein change: p.Leu422Val; replaces leucine 422 with valine.
Molecular consequence: missense variant.
Genome position (GRCh38, 1-based): chr15:72,346,593, G>C on the plus strand (C>G on the coding strand, the complement: HEXA is on the minus strand). VCF-style: chr15-72346593-G-C. GRCh37 (hg19) VCF-style: chr15-72638934-G-C.
Other names: p.Leu422Val; c.1297C>G, p.Leu433Val (NM_001318825.2); short protein forms L422V, L433V.
Identifiers: ClinVar variation 841751 (VCV000841751.26), dbSNP rs774562271, ClinGen allele CA7644745.

ClinVar aggregate classification (germline): Uncertain significance. Review status: criteria provided, multiple submitters, no conflicts (2 of 4 stars). 5 submissions from 5 submitters: Uncertain significance (3). 2 of the submissions do not count toward it. Last evaluated 2023-08-30.

Conditions:
Tay-Sachs disease (TSD). Also called: GM2 gangliosidosis, type 1; Hexosaminidase alpha-subunit deficiency (variant B); Sphingolipidosis, Tay-Sachs; HEXA Disorders; HEXA DEFICIENCY; Hexosaminidase A Deficiency. Identifiers: Orphanet 845, MedGen C0039373, MONDO:0010100, OMIM 272800.

Allele frequency attached by ClinVar (database versions not stated): gnomAD 0.00001; gnomAD exomes 0.00001 and 0.00002; TOPMed 0.00001; ExAC 0.00002.
gnomAD v4.1: 18 of 1,614,006 alleles (0.0011%); highest among the groups gnomAD compares: Admixed American, 0.0067%; no homozygotes.

Submissions (5):

Mayo Clinic Laboratories, Mayo Clinic
Classification: Uncertain significance. Last evaluated: 2023-08-30. Review status: criteria provided, single submitter. Criteria: ACMG Guidelines, 2015. Collection method: clinical testing. Allele origin: germline. Observed: 1 variant allele.
Comment: PP3, PM2_moderate

ARUP Laboratories, Molecular Genetics and Genomics, ARUP Laboratories
Classification: Uncertain significance. Last evaluated: 2021-10-12. Review status: criteria provided, single submitter. Criteria: ARUP Molecular Germline Variant Investigation Process 2021. Collection method: clinical testing. Allele origin: germline.
Comment: The HEXA c.1264C>G; p.Leu422Val variant (rs774562271), to our knowledge, is not reported in the medical literature but is reported in ClinVar (Variation ID: 841751). This variant is found in the Latino population with an overall allele frequency of 0.01% (4/34592 alleles) in the Genome Aggregation Database. The leucine at codon 422 is highly conserved, and computational analyses predict that this variant is deleterious (REVEL: 0.845). Additionally, computational analyses of splicing (Alamut v.2.11) predict that this variant may impact splicing by creating a novel cryptic donor splice site, although RNA studies would be required to confirm this. Given the lack of clinical and functional data, the significance of the p.Leu422Val variant is uncertain at this time.

Labcorp Genetics (formerly Invitae), Labcorp
Classification: Uncertain significance for Tay-Sachs disease. Last evaluated: 2021-08-28. Review status: criteria provided, single submitter. Criteria: Invitae Variant Classification Sherloc (09022015). Collection method: clinical testing. Allele origin: germline.
Comment: This sequence change replaces leucine with valine at codon 422 of the HEXA protein (p.Leu422Val). The leucine residue is highly conserved and there is a small physicochemical difference between leucine and valine. This variant is present in population databases (rs774562271, ExAC 0.02%). This variant has not been reported in the literature in individuals affected with HEXA-related conditions. Algorithms developed to predict the effect of missense changes on protein structure and function are either unavailable or do not agree on the potential impact of this missense change (SIFT: "Deleterious"; PolyPhen-2: "Possibly Damaging"; Align-GVGD: "Class C0"). Algorithms developed to predict the effect of sequence changes on RNA splicing suggest that this variant may create or strengthen a splice site. In summary, the available evidence is currently insufficient to determine the role of this variant in disease. Therefore, it has been classified as a Variant of Uncertain Significance.

Natera, Inc.
Classification: Uncertain significance for Tay-Sachs disease. Last evaluated: 2019-02-27. Review status: no assertion criteria provided. Collection method: clinical testing. Allele origin: germline. Not counted in ClinVar's aggregate classification.

Department of Pathology and Laboratory Medicine, Sinai Health System
Classification: Uncertain significance. Review status: no assertion criteria provided. Collection method: clinical testing. Allele origin: unknown. Affected: yes. Study: The Canadian Open Genetics Repository (COGR). Not counted in ClinVar's aggregate classification.
Comment: The HEXA p.Leu422Val variant was not identified in the literature nor was it identified in ClinVar. The variant was identified in dbSNP (ID: rs774562271) and in control databases in 4 of 251460 chromosomes at a frequency of 0.00001591 (Genome Aggregation Database March 6, 2019, v2.1.1). The variant was observed in the Latino population in 4 of 34592 chromosomes (freq: 0.000116), but was not observed in the African, Ashkenazi Jewish, East Asian, European (Finnish), European (non-Finnish), Other, or South Asian populations. The p.Leu422 residue is conserved in mammals and computational analyses (PolyPhen-2, SIFT, AlignGVGD, BLOSUM, MutationTaster) provide inconsistent predictions regarding the impact to the protein; this information is not very predictive of pathogenicity. The variant occurs outside of the splicing consensus sequence and 4 of 4 in silico or computational prediction software programs (SpliceSiteFinder, MaxEntScan, NNSPLICE, GeneSplicer) predict a greater than 10% difference in splicing. However, this has not been confirmed by RNA analysis and is not predictive enough to assume pathogenicity. In summary, based on the above information the clinical significance of this variant cannot be determined with certainty at this time. This variant is classified as a variant of uncertain significance.